The following is an entry in ClinVar:

ClinVar aggregate classification (germline): Conflicting classifications of pathogenicity. Review status: criteria provided, conflicting classifications (1 of 4 stars). 4 submissions from 4 submitters: Uncertain significance (1); Benign (1); Likely benign (1). 1 of the submissions does not count toward it. Last evaluated 2025-11-18.

Conditions:
ZNF335-related disorder. Also called: ZNF335-related condition.

Allele frequency attached by ClinVar (database versions not stated): gnomAD 0.00016; TOPMed 0.00045; ESP Exome Variant Server 0.00046.
gnomAD v4.1: 640 of 1,613,734 alleles (0.04%); highest among the groups gnomAD compares: Middle Eastern, 0.033%; 4 homozygotes.

Submissions (4):

Labcorp Genetics (formerly Invitae), Labcorp
Classification: Benign. Last evaluated: 2025-11-18. Review status: criteria provided, single submitter. Criteria: Invitae Variant Classification Sherloc (09022015). Collection method: clinical testing. Allele origin: germline.

GeneDx
Classification: Likely benign. Last evaluated: 2020-10-30. Review status: criteria provided, single submitter. Criteria: GeneDx Variant Classification Process June 2021. Collection method: clinical testing. Allele origin: germline. Affected: yes.

Genetic Services Laboratory, University of Chicago
Classification: Uncertain significance. Last evaluated: 2014-05-06. Review status: criteria provided, single submitter. Criteria: ACMG Guidelines, 2015. Collection method: clinical testing. Allele origin: germline.

PreventionGenetics, part of Exact Sciences
Classification: Benign for ZNF335-related condition. Last evaluated: 2019-08-08. Review status: no assertion criteria provided. Collection method: clinical testing. Allele origin: germline. Not counted in ClinVar's aggregate classification.
Comment: This variant is classified as benign based on ACMG/AMP sequence variant interpretation guidelines (Richards et al. 2015 PMID: 25741868, with internal and published modifications).

NM_022095.4(ZNF335):c.3843A>G (p.Pro1281=)

Gene: ZNF335 (zinc finger protein 335; minus strand). Cytogenetic location: 20q13.12.
Variant type: single nucleotide variant.
Coding change: c.3843A>G on transcript NM_022095.4 (MANE Select); coding-DNA position 3843, A replaced by G.
Protein change: p.Pro1281=; no amino-acid change (proline 1281 retained).
Molecular consequence: synonymous variant.
Genome position (GRCh38, 1-based): chr20:45,949,228, T>C on the plus strand (A>G on the coding strand, the complement: ZNF335 is on the minus strand). VCF-style: chr20-45949228-T-C. GRCh37 (hg19) VCF-style: chr20-44577867-T-C.
Identifiers: ClinVar variation 212652 (VCV000212652.19), dbSNP rs35291173, ClinGen allele CA207247.